The following is an entry in ClinVar:

ClinVar aggregate classification (germline): Uncertain significance (0 of 4 stars; one submission).

Allele frequency attached by ClinVar (database versions not stated): TOPMed 0.00001.

Submission:

Department of Pathology and Laboratory Medicine, Sinai Health System
Classification: Uncertain significance. Review status: no assertion criteria provided. Collection method: clinical testing. Allele origin: unknown. Affected: yes. Study: The Canadian Open Genetics Repository (COGR).
Comment: The P4HTM p.R479Q variant was not identified in the literature nor was it identified in ClinVar. The variantÂ¬â€ was identified in dbSNP (ID:Â¬â€ rs1411482860) but was not identified in the following control databases: the 1000 Genomes Project, the NHLBI GO Exome Sequencing Project, or the Genome Aggregation Database (March 6, 2019, v2.1.1). The p.R479 residue is conserved in mammals however computational analyses (MUT Assesor, SIFT, MutationTaster, Revel, FATHMM, MetaLR, DANN) do not suggest a high likelihood of impact to the protein; this information is not very predictive of pathogenicity. The variant occurs outside of the splicing consensus sequence and in silico or computational prediction software programs (Splice AI exome) do not predict a difference in splicing. In summary, based on the above information the clinical significance of this variant cannot be determined with certainty at this time. This variant is classified as a variant of uncertain significance.

NM_177939.3(P4HTM):c.1436G>A (p.Arg479Gln)

Gene: P4HTM (prolyl 4-hydroxylase, transmembrane; plus strand). Cytogenetic location: 3p21.31.
Variant type: single nucleotide variant.
Coding change: c.1436G>A on transcript NM_177939.3 (MANE Select); coding-DNA position 1436, G replaced by A.
Protein change: p.Arg479Gln; replaces arginine 479 with glutamine.
Molecular consequence: missense variant.
Genome position (GRCh38, 1-based): chr3:49,006,834, G>A. VCF-style: chr3-49006834-G-A. GRCh37 (hg19) VCF-style: chr3-49044267-G-A.
Other names: c.1619G>A, p.Arg540Gln (NM_177938.2); short protein forms R479Q, R540Q.
Identifiers: ClinVar variation 1050338 (VCV001050338.1), dbSNP rs1411482860, ClinGen allele CA352662030.
Genomic context (GRCh38, chr3:49,006,834, plus strand): 5'-ATGTGGACCCCAGCCGAGCGCGGCAAGCGCTGTTCCAACAGGAGATGGCCCGCCTTGCCC[G>A]AGAAGGGGGCACCGACTCACAGCCCGAGTGGGCTCTGGACCGGGCCTACCGCGATGCGCG-3'
Protein context (NP_808808.1, residues 469-489): LFQQEMARLA[Arg479Gln]EGGTDSQPEW